The following is an entry in ClinVar:

ClinVar aggregate classification (germline): Uncertain significance. Review status: criteria provided, multiple submitters, no conflicts (2 of 4 stars). 2 submissions from 2 submitters: Uncertain significance (2). Last evaluated 2024-04-01.

Conditions:
Multiple endocrine neoplasia, type 2 (MEN2). Identifiers: Orphanet 653, MedGen C4048306, MONDO:0019003. Disease mechanism: gain of function.
Hereditary cancer-predisposing syndrome. Also called: Neoplastic Syndromes, Hereditary; Tumor predisposition; Hereditary neoplastic syndrome; Hereditary Cancer Syndrome. Identifiers: Orphanet 140162, MedGen C0027672, MeSH D009386, MONDO:0015356.

Submissions (2):

Ambry Genetics
Classification: Uncertain significance for Hereditary cancer-predisposing syndrome. Last evaluated: 2024-04-01. Review status: criteria provided, single submitter. Criteria: Ambry Variant Classification Scheme 2023. Collection method: clinical testing. Allele origin: germline.
Comment: The p.A8T variant (also known as c.22G>A), located in coding exon 1 of the RET gene, results from a G to A substitution at nucleotide position 22. The alanine at codon 8 is replaced by threonine, an amino acid with similar properties. This amino acid position is conserved. In addition, the in silico prediction for this alteration is inconclusive. Based on the available evidence, the clinical significance of this alteration remains unclear.

Labcorp Genetics (formerly Invitae), Labcorp
Classification: Uncertain significance for Multiple endocrine neoplasia, type 2. Last evaluated: 2024-03-05. Review status: criteria provided, single submitter. Criteria: Invitae Variant Classification Sherloc (09022015). Collection method: clinical testing. Allele origin: germline.
Comment: This sequence change replaces alanine, which is neutral and non-polar, with threonine, which is neutral and polar, at codon 8 of the RET protein (p.Ala8Thr). This variant is not present in population databases (gnomAD no frequency). This variant has not been reported in the literature in individuals affected with RET-related conditions. Algorithms developed to predict the effect of missense changes on protein structure and function output the following: SIFT: "Not Available"; PolyPhen-2: "Possibly Damaging"; Align-GVGD: "Not Available". The threonine amino acid residue is found in multiple mammalian species, which suggests that this missense change does not adversely affect protein function. In summary, the available evidence is currently insufficient to determine the role of this variant in disease. Therefore, it has been classified as a Variant of Uncertain Significance.

NM_020975.6(RET):c.22G>A (p.Ala8Thr)

Genes: RET (ret proto-oncogene; plus strand), LOC106736614 (RET 5' regulatory region; plus strand). Cytogenetic location: 10q11.21.
Variant type: single nucleotide variant.
Coding change: c.22G>A on transcript NM_020975.6 (MANE Select); coding-DNA position 22, G replaced by A.
Protein change: p.Ala8Thr; replaces alanine 8 with threonine.
Molecular consequence: missense variant.
Genome position (GRCh38, 1-based): chr10:43,077,280, G>A. VCF-style: chr10-43077280-G-A. GRCh37 (hg19) VCF-style: chr10-43572728-G-A.
Other names: c.22G>A, p.Ala8Thr (NM_001406743.1, NM_001406744.1, NM_001406759.1 and 36 more transcripts); short protein forms A8T.
Identifiers: ClinVar variation 3313699 (VCV003313699.3).